The following is an entry in ClinVar:

NM_014270.5(SLC7A9):c.1143C>T (p.Ala381=)

Gene: SLC7A9 (solute carrier family 7 member 9; minus strand). Cytogenetic location: 19q13.11.
Variant type: single nucleotide variant.
Coding change: c.1143C>T on transcript NM_014270.5 (MANE Select); coding-DNA position 1143, C replaced by T.
Protein change: p.Ala381=; no amino-acid change (alanine 381 retained).
Molecular consequence: synonymous variant.
Genome position (GRCh38, 1-based): chr19:32,842,249, G>A on the plus strand (C>T on the coding strand, the complement: SLC7A9 is on the minus strand). VCF-style: chr19-32842249-G-A. GRCh37 (hg19) VCF-style: chr19-33333155-G-A.
Other names: p.Ala381=; c.1143C>T, p.Ala381= (NM_001126335.2, NM_001243036.2).
Identifiers: ClinVar variation 328747 (VCV000328747.23), dbSNP rs2287881, ClinGen allele CA9358487.

ClinVar aggregate classification (germline): Benign. Review status: criteria provided, multiple submitters, no conflicts (2 of 4 stars). 8 submissions from 8 submitters: Benign (6). 2 of the submissions do not count toward it. Last evaluated 2026-02-04.

Conditions:
Cystinuria (CSNU). Also called: Cystinuria, non-type I; CYSTINURIA, TYPE I; CYSTINURIA, TYPE II; CYSTINURIA, TYPE III. Identifiers: Orphanet 214, MedGen C0010691, MONDO:0009067, OMIM 220100, HP:0003131.

Allele frequency attached by ClinVar (database versions not stated): gnomAD exomes 0.19849 and 0.20006; ExAC 0.20587; TOPMed 0.22527; gnomAD 0.22846 and 0.22930; ESP Exome Variant Server 0.23451; 1000 Genomes Project 30x 0.24703; 1000 Genomes Project 0.24820.

Submissions (8):

Labcorp Genetics (formerly Invitae), Labcorp
Classification: Benign. Last evaluated: 2026-02-04. Review status: criteria provided, single submitter. Criteria: Invitae Variant Classification Sherloc (09022015). Collection method: clinical testing. Allele origin: germline.

Blueprint Genetics
Classification: Benign. Last evaluated: 2024-11-28. Review status: criteria provided, single submitter. Criteria: ACMG Guidelines, 2015. Collection method: clinical testing. Allele origin: germline.

Mayo Clinic Laboratories, Mayo Clinic
Classification: Benign. Last evaluated: 2022-03-09. Review status: criteria provided, single submitter. Criteria: ACMG Guidelines, 2015. Collection method: clinical testing. Allele origin: germline. Observed: 73 variant alleles.

GeneDx
Classification: Benign. Last evaluated: 2019-08-20. Review status: criteria provided, single submitter. Criteria: GeneDx Variant Classification Process June 2021. Collection method: clinical testing. Allele origin: germline. Affected: yes.

Illumina Laboratory Services, Illumina
Classification: Benign for Cystinuria. Last evaluated: 2018-01-13. Review status: criteria provided, single submitter. Criteria: ICSL Variant Classification Criteria 13 December 2019. Collection method: clinical testing. Allele origin: germline.
Comment: This variant was observed in the ICSL laboratory as part of a predisposition screen in an ostensibly healthy population. It had not been previously curated by ICSL or reported in the Human Gene Mutation Database (HGMD: prior to June 1st, 2018), and was therefore a candidate for classification through an automated scoring system. Utilizing variant allele frequency, disease prevalence and penetrance estimates, and inheritance mode, an automated score was calculated to assess if this variant is too frequent to cause the disease. Based on the score and internal cut-off values, a variant classified as benign is not then subjected to further curation. The score for this variant resulted in a classification of benign for this disease.

Breakthrough Genomics
Classification: Benign. Review status: criteria provided, single submitter. Criteria: ACMG Guidelines, 2015. Collection method: not provided. Allele origin: germline. Inheritance: Autosomal dominant inheritance. Affected: yes.

Diagnostic Laboratory, Department of Genetics, University Medical Center Groningen
Classification: Benign. Review status: no assertion criteria provided. Collection method: clinical testing. Allele origin: germline. Affected: yes. Study: VKGL Data-share Consensus. Not counted in ClinVar's aggregate classification.

Joint Genome Diagnostic Labs from Nijmegen and Maastricht, Radboudumc and MUMC+
Classification: Benign. Review status: no assertion criteria provided. Collection method: clinical testing. Allele origin: germline. Affected: yes. Study: VKGL Data-share Consensus. Not counted in ClinVar's aggregate classification.